The following is an entry in ClinVar:

NM_005609.4(PYGM):c.45_67del (p.Ser15fs)

Gene: PYGM (glycogen phosphorylase, muscle associated; minus strand). Cytogenetic location: 11q13.1.
Variant type: Deletion.
Coding change: c.45_67del on transcript NM_005609.4 (MANE Select); coding-DNA positions 45 to 67, 23 bases deleted (TGTGCGTGGCCTGGCCGGCGTGG).
Protein change: p.Ser15fs; shifts the reading frame from serine 15.
Molecular consequence: frameshift variant.
Genome position (GRCh38, 1-based): chr11:64,759,832-64,759,854, CCACGCCGGCCAGGCCACGCACA deleted on the plus strand (TGTGCGTGGCCTGGCCGGCGTGG on the coding strand, the reverse complement: PYGM is on the minus strand); deleting any 23 consecutive bases within chr11:64,759,832-64,759,855 gives the same sequence; the c. name uses the placement nearest the transcript's 3' end. VCF-style (leftmost placement, unchanged base first): chr11-64759831-TCCACGCCGGCCAGGCCACGCACA-T. GRCh37 (hg19) VCF-style: chr11-64527303-TCCACGCCGGCCAGGCCACGCACA-T.
Other names: c.45_67del, p.Ser15fs (NM_001164716.1); short protein forms S15fs.
Identifiers: ClinVar variation 2810133 (VCV002810133.3), dbSNP rs2496675773, ClinGen allele CA2739270519.

ClinVar aggregate classification (germline): Pathogenic (1 of 4 stars; one submission).

Conditions:
Glycogen storage disease, type V (GSD5). Also called: MCARDLE DISEASE; MUSCLE GLYCOGEN PHOSPHORYLASE DEFICIENCY; MYOPHOSPHORYLASE DEFICIENCY; PYGM DEFICIENCY; McArdle type glycogen storage disease. Identifiers: Orphanet 368, MedGen C0017924, MONDO:0009293, OMIM 232600.

Submission:

Labcorp Genetics (formerly Invitae), Labcorp
Classification: Pathogenic for Glycogen storage disease, type V. Last evaluated: 2022-11-29. Review status: criteria provided, single submitter. Criteria: Invitae Variant Classification Sherloc (09022015). Collection method: clinical testing. Allele origin: germline.
Comment: This sequence change creates a premature translational stop signal (p.Ser15Argfs*5) in the PYGM gene. It is expected to result in an absent or disrupted protein product. Loss-of-function variants in PYGM are known to be pathogenic (PMID: 8316268, 16786513). This variant is not present in population databases (gnomAD no frequency). This variant has not been reported in the literature in individuals affected with PYGM-related conditions. For these reasons, this variant has been classified as Pathogenic.

Literature cited by the submitters: PubMed 8316268; PubMed 16786513.